The following is an entry in ClinVar:

NM_194248.3(OTOF):c.4462G>A (p.Asp1488Asn)

Gene: OTOF (otoferlin; minus strand). Cytogenetic location: 2p23.3.
Variant type: single nucleotide variant.
Coding change: c.4462G>A on transcript NM_194248.3 (MANE Select); coding-DNA position 4462, G replaced by A.
Protein change: p.Asp1488Asn; replaces aspartic acid 1488 with asparagine.
Molecular consequence: missense variant.
Genome position (GRCh38, 1-based): chr2:26,466,752, C>T on the plus strand (G>A on the coding strand, the complement: OTOF is on the minus strand). VCF-style: chr2-26466752-C-T. GRCh37 (hg19) VCF-style: chr2-26689620-C-T.
Other names: c.4462G>A, p.Asp1488Asn (NM_001287489.2); c.2161G>A, p.Asp721Asn (NM_004802.4, NM_194323.3); c.2392G>A, p.Asp798Asn (NM_194322.3); short protein forms D1488N, D798N, D721N.
Identifiers: ClinVar variation 1485124 (VCV001485124.3), dbSNP rs183627999, ClinGen allele CA1563160.
Genomic context (GRCh38, chr2:26,466,752, plus strand): 5'-GGGAAAGCGACGGGAGTCTCACCCGGACCACATAGACTCGGACCAGCACATTGATGGGGT[C>T]ATTGCTCGGGATGCCCTGGAACATGCCGTAGGTGGAGTCGTAGCCGGCTTCCCGGGACAC-3'
Protein context (NP_919224.1, residues 1478-1498): YGMFQGIPSN[Asp1488Asn]PINVLVRVYV

ClinVar aggregate classification (germline): Uncertain significance (1 of 4 stars; one submission).

Allele frequency attached by ClinVar (database versions not stated): gnomAD exomes below 0.00001 and 0.00001; gnomAD 0.00001; ExAC 0.00002; 1000 Genomes Project 0.00020; 1000 Genomes Project 30x 0.00031.
gnomAD v4.1: 2 of 1,614,218 alleles (0.00012%); highest among the groups gnomAD compares: Admixed American, 0.0033%; no homozygotes.

Submission:

Labcorp Genetics (formerly Invitae), Labcorp
Classification: Uncertain significance. Last evaluated: 2021-11-27. Review status: criteria provided, single submitter. Criteria: Invitae Variant Classification Sherloc (09022015). Collection method: clinical testing. Allele origin: germline.
Comment: This sequence change replaces aspartic acid, which is acidic and polar, with asparagine, which is neutral and polar, at codon 1488 of the OTOF protein (p.Asp1488Asn). This variant is present in population databases (rs183627999, gnomAD 0.006%). This variant has not been reported in the literature in individuals affected with OTOF-related conditions. Algorithms developed to predict the effect of missense changes on protein structure and function are either unavailable or do not agree on the potential impact of this missense change (SIFT: "Deleterious"; PolyPhen-2: "Possibly Damaging"; Align-GVGD: "Class C0"). In summary, the available evidence is currently insufficient to determine the role of this variant in disease. Therefore, it has been classified as a Variant of Uncertain Significance.